The following is an entry in ClinVar:

ClinVar aggregate classification (germline): Uncertain significance (1 of 4 stars; one submission).

Conditions:
Progressive myoclonic epilepsy type 9. Identifiers: Orphanet 457265, MedGen C4225289, MONDO:0014685, OMIM 616540.
Lipodystrophy, partial, acquired, susceptibility to (APLD). Also called: APLD, SUSCEPTIBILITY TO. Identifiers: MedGen C3887501, MONDO:0100476, OMIM 608709.

gnomAD v4.1: 2 of 1,613,944 alleles (0.00012%); highest among the groups gnomAD compares: Admixed American, 0.0017%; no homozygotes.

Submission:

Labcorp Genetics (formerly Invitae), Labcorp
Classification: Uncertain significance for Progressive myoclonic epilepsy type 9; Lipodystrophy, partial, acquired, susceptibility to. Last evaluated: 2020-10-23. Review status: criteria provided, single submitter. Criteria: Invitae Variant Classification Sherloc (09022015). Collection method: clinical testing. Allele origin: germline.
Comment: This sequence change replaces glycine with tryptophan at codon 510 of the LMNB2 protein (p.Gly510Trp). The glycine residue is highly conserved and there is a large physicochemical difference between glycine and tryptophan. This variant is not present in population databases (ExAC no frequency). This variant has not been reported in the literature in individuals with LMNB2-related conditions. Algorithms developed to predict the effect of missense changes on protein structure and function are either unavailable or do not agree on the potential impact of this missense change (SIFT: "Deleterious"; PolyPhen-2: "Probably Damaging"; Align-GVGD: "Class C15"). In summary, the available evidence is currently insufficient to determine the role of this variant in disease. Therefore, it has been classified as a Variant of Uncertain Significance.

NM_032737.4(LMNB2):c.1528G>T (p.Gly510Trp)

Gene: LMNB2 (lamin B2; minus strand). Cytogenetic location: 19p13.3.
Variant type: single nucleotide variant.
Coding change: c.1528G>T on transcript NM_032737.4 (MANE Select); coding-DNA position 1528, G replaced by T.
Protein change: p.Gly510Trp; replaces glycine 510 with tryptophan.
Molecular consequence: missense variant.
Genome position (GRCh38, 1-based): chr19:2,432,478, C>A on the plus strand (G>T on the coding strand, the complement: LMNB2 is on the minus strand). VCF-style: chr19-2432478-C-A. GRCh37 (hg19) VCF-style: chr19-2432476-C-A.
Other names: short protein forms G510W.
Identifiers: ClinVar variation 1060408 (VCV001060408.9), dbSNP rs779010033, ClinGen allele CA403250201.